The following is an entry in ClinVar:

ClinVar aggregate classification (germline): Likely pathogenic (1 of 4 stars; one submission).

Conditions:
Deficiency of iodide peroxidase (TDH2A). Also called: Thyroid dyshormonogenesis 2A; HYPOTHYROIDISM, CONGENITAL, DUE TO DYSHORMONOGENESIS, 2A; IODIDE PEROXIDASE DEFICIENCY; THYROID HORMONOGENESIS, GENETIC DEFECT IN, 2A; THYROID PEROXIDASE DEFICIENCY. Identifiers: Orphanet 95716, MedGen C1291299, MONDO:0010133, OMIM 274500.

Allele frequency attached by ClinVar (database versions not stated): gnomAD 0.00001; gnomAD exomes 0.00001; ExAC 0.00010.
gnomAD v4.1: 16 of 1,523,636 alleles (0.0011%); highest among the groups gnomAD compares: Non-Finnish European, 0.0012%; no homozygotes.

Submission:

3billion
Classification: Likely pathogenic for Deficiency of iodide peroxidase. Last evaluated: 2022-05-22. Review status: criteria provided, single submitter. Criteria: ACMG Guidelines, 2015. Collection method: clinical testing. Allele origin: germline. Affected: yes. Observed: 1 heterozygote.
Comment: The variant is observed at an extremely low frequency in the gnomAD v2.1.1 dataset (total allele frequency: <0.001%). Missense changes are a common disease-causing mechanism. Same nucleotide change resulting in same amino acid change has been previously reported to be associated with TPO related disorder (PMID: 17547680). The variant has been reported to be in trans with a pathogenic variant as either compound heterozygous or homozygous in at least one similarly affected unrelated individual (PMID: 17547680). Therefore, this variant is classified as likely pathogenic according to the recommendation of ACMG/AMP guideline.

Literature cited by the submitters: PubMed 17547680.

NM_001206744.2(TPO):c.1159G>A (p.Gly387Arg)

Gene: TPO (thyroid peroxidase; plus strand). Cytogenetic location: 2p25.3.
Variant type: single nucleotide variant.
Coding change: c.1159G>A on transcript NM_001206744.2 (MANE Select); coding-DNA position 1159, G replaced by A.
Protein change: p.Gly387Arg; replaces glycine 387 with arginine.
Molecular consequence: missense variant. On other transcripts: intron variant (1).
Genome position (GRCh38, 1-based): chr2:1,477,425, G>A. VCF-style: chr2-1477425-G-A. GRCh37 (hg19) VCF-style: chr2-1481197-G-A.
Other names: c.1159G>A, p.Gly387Arg (NM_000547.6, NM_001206745.2, NM_175719.4 and 1 more transcripts); c.820-7171G>A (NM_175722.3); short protein forms G387R.
Identifiers: ClinVar variation 1687271 (VCV001687271.1), dbSNP rs753012199, ClinGen allele CA1511670.
Genomic context (GRCh38, chr2:1,477,425, plus strand): 5'-GTGCCGCCACGCGCGCCTGCGGCCTGTGCGCCCGAGCCCGGCATCCCCGGAGAGACCCGC[G>A]GGCCCTGCTTCCTGGCCGGAGACGGCCGCGCCAGCGAGGTCCCCTCCCTGACGGCACTGC-3'
Protein context (NP_001193673.1, residues 377-397): PEPGIPGETR[Gly387Arg]PCFLAGDGRA